The following is an entry in ClinVar:

NM_012210.4(TRIM32):c.1623G>A (p.Gln541=)

Genes: ASTN2 (astrotactin 2; minus strand), TRIM32 (tripartite motif containing 32; plus strand). Cytogenetic location: 9q33.1.
Variant type: single nucleotide variant.
Coding change: c.1623G>A on transcript NM_012210.4 (MANE Select); coding-DNA position 1623, G replaced by A.
Protein change: p.Gln541=; no amino-acid change (glutamine 541 retained).
Molecular consequence: synonymous variant. On other transcripts: intron variant (3).
Genome position (GRCh38, 1-based): chr9:116,699,365, G>A. VCF-style: chr9-116699365-G-A. GRCh37 (hg19) VCF-style: chr9-119461644-G-A.
Other names: c.1623G>A, p.Gln541= (NM_001099679.2, NM_001379048.1, NM_001379049.1 and 1 more transcripts); c.2653+26406C>T (NM_014010.5); c.2794+26406C>T (NM_001365069.1); c.2806+26406C>T (NM_001365068.1).
Identifiers: ClinVar variation 514026 (VCV000514026.12), dbSNP rs201083322, ClinGen allele CA5211184.

ClinVar aggregate classification (germline): Likely benign. Review status: criteria provided, multiple submitters, no conflicts (2 of 4 stars). 4 submissions from 4 submitters: Likely benign (4). Last evaluated 2026-01-18.

Conditions:
Bardet-Biedl syndrome (BBS). Identifiers: Orphanet 110, MedGen C0752166, MONDO:0015229.
Bardet-Biedl syndrome 11 (BBS11). Identifiers: Orphanet 110, MedGen C1859569, MONDO:0014439, OMIM 615988.
Sarcotubular myopathy (LGMDR8). Also called: Hutterite type of muscular dystrophy; MUSCULAR DYSTROPHY, LIMB-GIRDLE, AUTOSOMAL RECESSIVE 8; Autosomal recessive limb-girdle muscular dystrophy type 2H; Limb-girdle muscular dystrophy, type 2H. Identifiers: Orphanet 1878, MedGen C0270968, MONDO:0009683, OMIM 254110.

Allele frequency attached by ClinVar (database versions not stated): ExAC 0.00002; gnomAD 0.00004 and 0.00003; gnomAD exomes 0.00004 and 0.00011; TOPMed 0.00002.
gnomAD v4.1: 166 of 1,614,096 alleles (0.01%); highest among the groups gnomAD compares: Non-Finnish European, 0.013%; no homozygotes.

Submissions (4):

Labcorp Genetics (formerly Invitae), Labcorp
Classification: Likely benign for Bardet-Biedl syndrome. Last evaluated: 2026-01-18. Review status: criteria provided, single submitter. Criteria: Invitae Variant Classification Sherloc (09022015). Collection method: clinical testing. Allele origin: germline.

Blueprint Genetics
Classification: Likely benign. Last evaluated: 2024-09-12. Review status: criteria provided, single submitter. Criteria: ACMG Guidelines, 2015. Collection method: clinical testing. Allele origin: germline.

Fulgent Genetics
Classification: Likely benign for Sarcotubular myopathy; Bardet-Biedl syndrome 11. Last evaluated: 2021-09-09. Review status: criteria provided, single submitter. Criteria: ACMG Guidelines, 2015. Collection method: clinical testing. Allele origin: unknown.

GeneDx
Classification: Likely benign. Last evaluated: 2017-12-14. Review status: criteria provided, single submitter. Criteria: GeneDx Variant Classification (06012015). Collection method: clinical testing. Allele origin: germline. Affected: yes.
Comment: This variant is considered likely benign or benign based on one or more of the following criteria: it is a conservative change, it occurs at a poorly conserved position in the protein, it is predicted to be benign by multiple in silico algorithms, and/or has population frequency not consistent with disease.